The following is an entry in ClinVar:

ClinVar aggregate classification (germline): Conflicting classifications of pathogenicity. Review status: criteria provided, conflicting classifications (1 of 4 stars). 4 submissions from 4 submitters: Uncertain significance (1); Benign (1); Likely benign (1). 1 of the submissions does not count toward it. Last evaluated 2026-01-25.

Conditions:
CANT1-related disorder. Also called: CANT1-related condition.
Desbuquois dysplasia 1 (DBQD1). Also called: DESBUQUOIS DYSPLASIA 1, KIM VARIANT; MICROMELIC DWARFISM WITH VERTEBRAL AND METAPHYSEAL ABNORMALITIES AND ADVANCED CARPOTARSAL OSSIFICATION. Identifiers: Orphanet 1425, MedGen C4012146, MONDO:0009629, OMIM 251450.

Allele frequency attached by ClinVar (database versions not stated): ExAC 0.00062; 1000 Genomes Project 30x 0.00219; 1000 Genomes Project 0.00220; gnomAD 0.00226 and 0.00242; TOPMed 0.00265; ESP Exome Variant Server 0.00313.
gnomAD v4.1: 650 of 1,606,800 alleles (0.04%); highest among the groups gnomAD compares: African/African-American, 0.82%; no homozygotes.

Submissions (4):

Labcorp Genetics (formerly Invitae), Labcorp
Classification: Benign. Last evaluated: 2026-01-25. Review status: criteria provided, single submitter. Criteria: Invitae Variant Classification Sherloc (09022015). Collection method: clinical testing. Allele origin: germline.

ARUP Laboratories, Molecular Genetics and Genomics, ARUP Laboratories
Classification: Uncertain significance. Last evaluated: 2025-04-10. Review status: criteria provided, single submitter. Criteria: ARUP Molecular Germline Variant Investigation Process 2024. Collection method: clinical testing. Allele origin: germline.
Comment: The CANT1 c.194C>T; p.Ala65Val variant (rs200811852), to our knowledge, is not reported in the medical literature but is reported in ClinVar (Variation ID: 787996). This variant is found in the African/African-American population with an allele frequency of 0.73% (168/23,012 alleles, including one homozygote) in the Genome Aggregation Database. Computational analyses are uncertain whether this variant is neutral or deleterious (REVEL: 0.23). While the high population frequency suggests that this is likely a benign variant, given the lack of clinical and functional data, the significance of this variant is uncertain at this time.

Illumina Laboratory Services, Illumina
Classification: Likely benign for Desbuquois dysplasia 1. Last evaluated: 2018-01-13. Review status: criteria provided, single submitter. Criteria: ICSL Variant Classification Criteria 13 December 2019. Collection method: clinical testing. Allele origin: germline.
Comment: This variant was observed in the ICSL laboratory as part of a predisposition screen in an ostensibly healthy population. It had not been previously curated by ICSL or reported in the Human Gene Mutation Database (HGMD: prior to June 1st, 2018), and was therefore a candidate for classification through an automated scoring system. Utilizing variant allele frequency, disease prevalence and penetrance estimates, and inheritance mode, an automated score was calculated to assess if this variant is too frequent to cause the disease. Based on the score and internal cut-off values, a variant classified as likely benign is not then subjected to further curation. The score for this variant resulted in a classification of likely benign for this disease.

PreventionGenetics, part of Exact Sciences
Classification: Benign for CANT1-related condition. Last evaluated: 2020-03-27. Review status: no assertion criteria provided. Collection method: clinical testing. Allele origin: germline. Not counted in ClinVar's aggregate classification.
Comment: This variant is classified as benign based on ACMG/AMP sequence variant interpretation guidelines (Richards et al. 2015 PMID: 25741868, with internal and published modifications).

NM_001159773.2(CANT1):c.194C>T (p.Ala65Val)

Gene: CANT1 (calcium activated nucleotidase 1; minus strand). Cytogenetic location: 17q25.3.
Variant type: single nucleotide variant.
Coding change: c.194C>T on transcript NM_001159773.2 (MANE Select); coding-DNA position 194, C replaced by T.
Protein change: p.Ala65Val; replaces alanine 65 with valine.
Molecular consequence: missense variant.
Genome position (GRCh38, 1-based): chr17:78,997,429, G>A on the plus strand (C>T on the coding strand, the complement: CANT1 is on the minus strand). VCF-style: chr17-78997429-G-A. GRCh37 (hg19) VCF-style: chr17-76993511-G-A.
Other names: c.194C>T, p.Ala65Val (NM_001159772.2, NM_138793.4); short protein forms A65V.
Identifiers: ClinVar variation 787996 (VCV000787996.16), dbSNP rs200811852, ClinGen allele CA8808792.
Genomic context (GRCh38, chr17:78,997,429, plus strand): 5'-TTGGCGGGCGCCTGGCCGAGCCTCCAGTTGTGTGCATTGTGGGTGGGGGGCCTGCCGGGG[G>A]CCGGGCGGTGGGAGCAGAGCAGCCAGAGGATGGCAGCACCCACAAAGAACGTCAGGATCA-3'
Protein context (NP_001153245.1, residues 55-75): ILWLLCSHRP[Ala65Val]PGRPPTHNAH